The following is an entry in ClinVar:

NM_198576.4(AGRN):c.3655G>A (p.Val1219Met)

Gene: AGRN (agrin; plus strand). Cytogenetic location: 1p36.33.
Variant type: single nucleotide variant.
Coding change: c.3655G>A on transcript NM_198576.4 (MANE Select); coding-DNA position 3655, G replaced by A.
Protein change: p.Val1219Met; replaces valine 1219 with methionine.
Molecular consequence: missense variant.
Genome position (GRCh38, 1-based): chr1:1,047,799, G>A. VCF-style: chr1-1047799-G-A. GRCh37 (hg19) VCF-style: chr1-983179-G-A.
Other names: c.3655G>A, p.Val1219Met (NM_001305275.2); c.3340G>A, p.Val1114Met (NM_001364727.2); short protein forms V1219M, V1114M.
Identifiers: ClinVar variation 854104 (VCV000854104.9), dbSNP rs770304448, ClinGen allele CA509177.
Genomic context (GRCh38, chr1:1,047,799, plus strand): 5'-TGGGGCTCTGCCATGCTCAGAGCTCCCTCCTCCCCAGCCACAGCCTTCAGGGCACCCGAC[G>A]TGGCCCGGGCCCTGCTCCGGCAGATCCAGGTGTCCAGGCGCCGGTCCTTGGGGGTGAGGC-3'
Protein context (NP_940978.2, residues 1209-1229): DPTTAFRAPD[Val1219Met]ARALLRQIQV

ClinVar aggregate classification (germline): Uncertain significance. Review status: criteria provided, multiple submitters, no conflicts (2 of 4 stars). 2 submissions from 2 submitters: Uncertain significance (2). Last evaluated 2025-03-30.

Conditions:
Inborn genetic diseases. Identifiers: MedGen C0950123, MeSH D030342.
Congenital myasthenic syndrome 8. Also called: MYASTHENIC SYNDROME, CONGENITAL, DUE TO AGRIN DEFICIENCY; Myasthenic syndrome, congenital, 8, with pre- and postsynaptic defects. Identifiers: Orphanet 590, MedGen C3808739, MONDO:0014052, OMIM 615120.

Allele frequency attached by ClinVar (database versions not stated): gnomAD exomes 0.00001; gnomAD 0.00002; ExAC 0.00003; TOPMed 0.00003.
gnomAD v4.1: 18 of 1,604,610 alleles (0.0011%); highest among the groups gnomAD compares: Admixed American, 0.0034%; no homozygotes.

Submissions (2):

Ambry Genetics
Classification: Uncertain significance for Inborn genetic diseases. Last evaluated: 2025-03-30. Review status: criteria provided, single submitter. Criteria: Ambry Variant Classification Scheme 2023. Collection method: clinical testing. Allele origin: germline.

Labcorp Genetics (formerly Invitae), Labcorp
Classification: Uncertain significance for Congenital myasthenic syndrome 8. Last evaluated: 2024-07-08. Review status: criteria provided, single submitter. Criteria: Invitae Variant Classification Sherloc (09022015). Collection method: clinical testing. Allele origin: germline.
Comment: This sequence change replaces valine, which is neutral and non-polar, with methionine, which is neutral and non-polar, at codon 1219 of the AGRN protein (p.Val1219Met). The frequency data for this variant in the population databases is considered unreliable, as metrics indicate poor data quality at this position in the gnomAD database. This variant has not been reported in the literature in individuals affected with AGRN-related conditions. ClinVar contains an entry for this variant (Variation ID: 854104). An algorithm developed to predict the effect of missense changes on protein structure and function (PolyPhen-2) suggests that this variant is likely to be disruptive. In summary, the available evidence is currently insufficient to determine the role of this variant in disease. Therefore, it has been classified as a Variant of Uncertain Significance.